The following is an entry in ClinVar:

NM_001447.3(FAT2):c.4523C>T (p.Thr1508Met)

Genes: FAT2 (FAT atypical cadherin 2; minus strand), SLC36A1 (solute carrier family 36 member 1; plus strand). Cytogenetic location: 5q33.1.
Variant type: single nucleotide variant.
Coding change: c.4523C>T on transcript NM_001447.3 (MANE Select); coding-DNA position 4523, C replaced by T.
Protein change: p.Thr1508Met; replaces threonine 1508 with methionine.
Molecular consequence: missense variant.
Genome position (GRCh38, 1-based): chr5:151,550,645, G>A on the plus strand (C>T on the coding strand, the complement: FAT2 is on the minus strand). VCF-style: chr5-151550645-G-A. GRCh37 (hg19) VCF-style: chr5-150930206-G-A.
Other names: short protein forms T1508M.
Identifiers: ClinVar variation 2190897 (VCV002190897.28), dbSNP rs1230837637, ClinGen allele CA361845969.

ClinVar aggregate classification (germline): Conflicting classifications of pathogenicity. Review status: criteria provided, conflicting classifications (1 of 4 stars). 2 submissions from 2 submitters: Uncertain significance (1); Likely benign (1). Last evaluated 2025-06-23.

Allele frequency attached by ClinVar (database versions not stated): gnomAD exomes 0.00001; TOPMed 0.00003; gnomAD 0.00005.
gnomAD v4.1: 26 of 1,614,162 alleles (0.0016%); highest among the groups gnomAD compares: Middle Eastern, 0.082%; no homozygotes.

Submissions (2):

Labcorp Genetics (formerly Invitae), Labcorp
Classification: Uncertain significance. Last evaluated: 2025-06-23. Review status: criteria provided, single submitter. Criteria: Invitae Variant Classification Sherloc (09022015). Collection method: clinical testing. Allele origin: germline.
Comment: This sequence change replaces threonine, which is neutral and polar, with methionine, which is neutral and non-polar, at codon 1508 of the FAT2 protein (p.Thr1508Met). This variant is present in population databases (no rsID available, gnomAD 0.006%). This variant has not been reported in the literature in individuals affected with FAT2-related conditions. ClinVar contains an entry for this variant (Variation ID: 2190897). Invitae Evidence Modeling of protein sequence and biophysical properties (such as structural, functional, and spatial information, amino acid conservation, physicochemical variation, residue mobility, and thermodynamic stability) indicates that this missense variant is not expected to disrupt FAT2 protein function with a negative predictive value of 80%. In summary, the available evidence is currently insufficient to determine the role of this variant in disease. Therefore, it has been classified as a Variant of Uncertain Significance.

CeGaT Center for Human Genetics Tuebingen
Classification: Likely benign. Last evaluated: 2023-08-01. Review status: criteria provided, single submitter. Criteria: CeGaT Center For Human Genetics Tuebingen Variant Classification Criteria Version 2. Collection method: clinical testing. Allele origin: germline. Affected: yes. Observed: 1 variant allele.
Comment: FAT2: BP4